The following is an entry in ClinVar:

ClinVar aggregate classification (germline): Pathogenic (1 of 4 stars; one submission).

Conditions:
Neurofibromatosis, type 1 (NF1). Also called: NEUROFIBROMATOSIS, TYPE I, SOMATIC; VON RECKLINGHAUSEN DISEASE; Peripheral type neurofibromatosis; Neurofibromatosis, type I. Identifiers: Orphanet 636, MedGen C0027831, MONDO:0018975, OMIM 162200. Disease mechanism: loss of function.

Submission:

Labcorp Genetics (formerly Invitae), Labcorp
Classification: Pathogenic for Neurofibromatosis, type 1. Last evaluated: 2025-03-30. Review status: criteria provided, single submitter. Criteria: Invitae Variant Classification Sherloc (09022015). Collection method: clinical testing. Allele origin: germline.
Comment: This sequence change creates a premature translational stop signal (p.Lys305*) in the NF1 gene. It is expected to result in an absent or disrupted protein product. Loss-of-function variants in NF1 are known to be pathogenic (PMID: 10712197, 23913538). This variant is not present in population databases (gnomAD no frequency). This variant has not been reported in the literature in individuals affected with NF1-related conditions. Algorithms developed to predict the effect of sequence changes on RNA splicing suggest that this variant may disrupt the consensus splice site. For these reasons, this variant has been classified as Pathogenic.

Literature cited by the submitters: PubMed 10712197; PubMed 23913538.

NM_001042492.3(NF1):c.913A>T (p.Lys305Ter)

Gene: NF1 (neurofibromin 1; plus strand). Cytogenetic location: 17q11.2.
Variant type: single nucleotide variant.
Coding change: c.913A>T on transcript NM_001042492.3 (MANE Select); coding-DNA position 913, A replaced by T.
Protein change: p.Lys305Ter; replaces lysine 305 with a stop codon.
Molecular consequence: nonsense.
Genome position (GRCh38, 1-based): chr17:31,200,446, A>T. VCF-style: chr17-31200446-A-T. GRCh37 (hg19) VCF-style: chr17-29527464-A-T.
Other names: c.913A>T, p.Lys305Ter (NM_000267.4, NM_001128147.3); short protein forms K305*.
Identifiers: ClinVar variation 4716275 (VCV004716275.1).